The following is an entry in ClinVar:

NM_001040108.2(MLH3):c.1841A>G (p.Gln614Arg)

Gene: MLH3 (mutL homolog 3; minus strand). Cytogenetic location: 14q24.3.
Variant type: single nucleotide variant.
Coding change: c.1841A>G on transcript NM_001040108.2 (MANE Select); coding-DNA position 1841, A replaced by G.
Protein change: p.Gln614Arg; replaces glutamine 614 with arginine.
Molecular consequence: missense variant.
Genome position (GRCh38, 1-based): chr14:75,047,815, T>C on the plus strand (A>G on the coding strand, the complement: MLH3 is on the minus strand). VCF-style: chr14-75047815-T-C. GRCh37 (hg19) VCF-style: chr14-75514518-T-C.
Other names: c.1841A>G, p.Gln614Arg (NM_014381.3); short protein forms Q614R.
Identifiers: ClinVar variation 3396755 (VCV003396755.1).
Genomic context (GRCh38, chr14:75,047,815, plus strand): 5'-CCAGGTCTAACATAATTTTTAAATGAATGTTCTGTTTCAGTTGATTTAGTTTTTTCATTT[T>C]GTACTACATGAGTTATAAAGCCAGTGGAACATAATTTAACTCGCCCATAACTAAAAACAT-3'
Protein context (NP_001035197.1, residues 604-624): CSTGFITHVV[Gln614Arg]NEKTKSTETE

ClinVar aggregate classification (germline): Uncertain significance (1 of 4 stars; one submission).

Submission:

Ambry Genetics
Classification: Uncertain significance. Last evaluated: 2024-10-27. Review status: criteria provided, single submitter. Criteria: Ambry Variant Classification Scheme 2023. Collection method: clinical testing. Allele origin: germline.
Comment: The p.Q614R variant (also known as c.1841A>G), located in coding exon 1 of the MLH3 gene, results from an A to G substitution at nucleotide position 1841. The glutamine at codon 614 is replaced by arginine, an amino acid with highly similar properties. This amino acid position is conserved. In addition, this alteration is predicted to be tolerated by in silico analysis. Based on the available evidence, the clinical significance of this variant remains unclear.